The following is an entry in ClinVar:

NM_138420.4(AHNAK2):c.3058T>A (p.Leu1020Met)

Gene: AHNAK2 (AHNAK nucleoprotein 2; minus strand). Cytogenetic location: 14q32.33.
Variant type: single nucleotide variant.
Coding change: c.3058T>A on transcript NM_138420.4 (MANE Select); coding-DNA position 3058, T replaced by A.
Protein change: p.Leu1020Met; replaces leucine 1020 with methionine.
Molecular consequence: missense variant.
Genome position (GRCh38, 1-based): chr14:104,952,393, A>T on the plus strand (T>A on the coding strand, the complement: AHNAK2 is on the minus strand). VCF-style: chr14-104952393-A-T. GRCh37 (hg19) VCF-style: chr14-105418730-A-T.
Other names: c.2758T>A, p.Leu920Met (NM_001350929.2); short protein forms L1020M, L920M.
Identifiers: ClinVar variation 3341799 (VCV003341799.16).

ClinVar aggregate classification (germline): Likely benign (1 of 4 stars; one submission).

Submission:

CeGaT Center for Human Genetics Tuebingen
Classification: Likely benign. Last evaluated: 2024-08-01. Review status: criteria provided, single submitter. Criteria: CeGaT Center For Human Genetics Tuebingen Variant Classification Criteria Version 2. Collection method: clinical testing. Allele origin: germline. Affected: yes. Observed: 1 variant allele.
Comment: AHNAK2: BP4